The following is an entry in ClinVar:

NM_007215.4(POLG2):c.689+1G>A

Genes: MILR1 (mast cell immunoglobulin like receptor 1; plus strand), POLG2 (DNA polymerase gamma 2, accessory subunit; minus strand). Cytogenetic location: 17q23.3.
Variant type: single nucleotide variant.
Coding change: c.689+1G>A on transcript NM_007215.4 (MANE Select); the canonical splice donor site of the intron after coding-DNA position 689, G replaced by A.
Molecular consequence: splice donor variant.
Genome position (GRCh38, 1-based): chr17:64,492,894, C>T on the plus strand (G>A on the coding strand, the complement: POLG2 is on the minus strand). VCF-style: chr17-64492894-C-T. GRCh37 (hg19) VCF-style: chr17-62489011-C-T.
Identifiers: ClinVar variation 1520399 (VCV001520399.6), dbSNP rs202085271, ClinGen allele CA293014648.

ClinVar aggregate classification (germline): Likely pathogenic (1 of 4 stars; one submission).

Allele frequency attached by ClinVar (database versions not stated): gnomAD exomes below 0.00001; gnomAD 0.00001; ESP Exome Variant Server 0.00008.
gnomAD v4.1: 75 of 1,613,894 alleles (0.0046%); highest among the groups gnomAD compares: Non-Finnish European, 0.0062%; no homozygotes.

Submission:

Labcorp Genetics (formerly Invitae), Labcorp
Classification: Likely pathogenic. Last evaluated: 2025-11-17. Review status: criteria provided, single submitter. Criteria: Invitae Variant Classification Sherloc (09022015). Collection method: clinical testing. Allele origin: germline.
Comment: This sequence change affects a donor splice site in intron 2 of the POLG2 gene. It is expected to disrupt RNA splicing. Variants that disrupt the donor or acceptor splice site typically lead to a loss of protein function (PMID: 16199547), and loss-of-function variants in POLG2 are known to be pathogenic (PMID: 28078310, 29625556). This variant is present in population databases (rs202085271, gnomAD 0.002%). This variant has not been reported in the literature in individuals affected with POLG2-related conditions. ClinVar contains an entry for this variant (Variation ID: 1520399). Algorithms developed to predict the effect of sequence changes on RNA splicing suggest that this variant may disrupt the consensus splice site. In summary, the currently available evidence indicates that the variant is pathogenic, but additional data are needed to prove that conclusively. Therefore, this variant has been classified as Likely Pathogenic.

Literature cited by the submitters: PubMed 16199547; PubMed 28078310; PubMed 29625556.